The following is an entry in ClinVar:

NM_145059.3(FCSK):c.759G>A (p.Leu253=)

Gene: FCSK (fucose kinase; plus strand). Cytogenetic location: 16q22.1.
Variant type: single nucleotide variant.
Coding change: c.759G>A on transcript NM_145059.3 (MANE Select); coding-DNA position 759, G replaced by A.
Protein change: p.Leu253=; no amino-acid change (leucine 253 retained).
Molecular consequence: synonymous variant.
Genome position (GRCh38, 1-based): chr16:70,468,944, G>A. VCF-style: chr16-70468944-G-A. GRCh37 (hg19) VCF-style: chr16-70502847-G-A.
Identifiers: ClinVar variation 785537 (VCV000785537.13), dbSNP rs16970191, ClinGen allele CA8143071.

ClinVar aggregate classification (germline): Benign. Review status: criteria provided, multiple submitters, no conflicts (2 of 4 stars). 3 submissions from 3 submitters: Benign (2). 1 of the submissions does not count toward it. Last evaluated 2026-01-27.

Conditions:
FCSK-related disorder. Also called: FCSK-related condition.

Allele frequency attached by ClinVar (database versions not stated): gnomAD exomes 0.00295 and 0.00748; ExAC 0.00891; ESP Exome Variant Server 0.03130; gnomAD 0.03199 and 0.03434; TOPMed 0.03518; 1000 Genomes Project 0.03554; 1000 Genomes Project 30x 0.03919.

Submissions (3):

Labcorp Genetics (formerly Invitae), Labcorp
Classification: Benign. Last evaluated: 2026-01-27. Review status: criteria provided, single submitter. Criteria: Invitae Variant Classification Sherloc (09022015). Collection method: clinical testing. Allele origin: germline.

Breakthrough Genomics
Classification: Benign. Review status: criteria provided, single submitter. Criteria: ACMG Guidelines, 2015. Collection method: not provided. Allele origin: germline. Inheritance: Autosomal recessive inheritance. Affected: yes.

PreventionGenetics, part of Exact Sciences
Classification: Benign for FCSK-related condition. Last evaluated: 2019-06-17. Review status: no assertion criteria provided. Collection method: clinical testing. Allele origin: germline. Not counted in ClinVar's aggregate classification.
Comment: This variant is classified as benign based on ACMG/AMP sequence variant interpretation guidelines (Richards et al. 2015 PMID: 25741868, with internal and published modifications).